The following is an entry in ClinVar:

ClinVar aggregate classification (germline): Benign (1 of 4 stars; one submission).

Conditions:
Intellectual developmental disorder, X-linked 93. Also called: MENTAL RETARDATION, X-LINKED, WITH MACROCEPHALY; Intellectual disability, X-linked 93. Identifiers: MedGen C1970841, MONDO:0010393, OMIM 300659.

Allele frequency attached by ClinVar (database versions not stated): gnomAD 0.00681 and 0.00713; TOPMed 0.00768; 1000 Genomes Project 0.00795; 1000 Genomes Project 30x 0.00812.
gnomAD v4.1: 750 of 111,487 alleles (0.67%); highest among the groups gnomAD compares: African/African-American, 2.2%; 6 homozygotes.

Submission:

Illumina Laboratory Services, Illumina
Classification: Benign for Intellectual developmental disorder, X-linked 93. Last evaluated: 2018-01-13. Review status: criteria provided, single submitter. Criteria: ICSL Variant Classification Criteria 13 December 2019. Collection method: clinical testing. Allele origin: germline.
Comment: This variant was observed in the ICSL laboratory as part of a predisposition screen in an ostensibly healthy population. It had not been previously curated by ICSL or reported in the Human Gene Mutation Database (HGMD: prior to June 1st, 2018), and was therefore a candidate for classification through an automated scoring system. Utilizing variant allele frequency, disease prevalence and penetrance estimates, and inheritance mode, an automated score was calculated to assess if this variant is too frequent to cause the disease. Based on the score and internal cut-off values, a variant classified as benign is not then subjected to further curation. The score for this variant resulted in a classification of benign for this disease.

NM_153252.5(BRWD3):c.*2323G>A

Gene: BRWD3 (bromodomain and WD repeat domain containing 3; minus strand). Cytogenetic location: Xq21.1.
Variant type: single nucleotide variant.
Coding change: c.*2323G>A on transcript NM_153252.5 (MANE Select); 2323 bases downstream of the stop codon, G replaced by A.
Molecular consequence: 3 prime UTR variant.
Genome position (GRCh38, 1-based): chrX:80,674,286, C>T on the plus strand (G>A on the coding strand, the complement: BRWD3 is on the minus strand). VCF-style: chrX-80674286-C-T. GRCh37 (hg19) VCF-style: chrX-79929785-C-T.
Identifiers: ClinVar variation 368711 (VCV000368711.5), dbSNP rs191690327, ClinGen allele CA10652070.